The following is an entry in ClinVar:

NM_000169.3(GLA):c.72G>A (p.Trp24Ter)

Genes: GLA (galactosidase alpha; minus strand), RPL36A-HNRNPH2 (RPL36A-HNRNPH2 readthrough; plus strand). Cytogenetic location: Xq22.1.
Variant type: single nucleotide variant.
Coding change: c.72G>A on transcript NM_000169.3 (MANE Select); coding-DNA position 72, G replaced by A.
Protein change: p.Trp24Ter; replaces tryptophan 24 with a stop codon.
Molecular consequence: nonsense. On other transcripts: non-coding transcript variant (3), intron variant (2).
Genome position (GRCh38, 1-based): chrX:101,407,832, C>T on the plus strand (G>A on the coding strand, the complement: GLA is on the minus strand). VCF-style: chrX-101407832-C-T. GRCh37 (hg19) VCF-style: chrX-100662820-C-T.
Other names: c.72G>A, p.Trp24Ter (NM_001406747.1, NM_001406748.1, NM_001406749.1); c.301-4104C>T (NM_001199973.2); c.178-4104C>T (NM_001199974.2); short protein forms W24*.
Identifiers: ClinVar variation 3854125 (VCV003854125.3), dbSNP rs869312392.

ClinVar aggregate classification (germline): Pathogenic. Review status: criteria provided, multiple submitters, no conflicts (2 of 4 stars). 2 submissions from 2 submitters: Pathogenic (2). Last evaluated 2026-09-08.

Conditions:
Cardiovascular phenotype. Identifiers: MedGen CN230736.
Fabry disease. Also called: Fabry's disease; ALPHA-GALACTOSIDASE A DEFICIENCY; ANDERSON-FABRY DISEASE; CERAMIDE TRIHEXOSIDASE DEFICIENCY; GLA DEFICIENCY; HEREDITARY DYSTOPIC LIPIDOSIS. Identifiers: Orphanet 324, MedGen C0002986, MONDO:0010526, OMIM 301500, HP:0001071. Disease mechanism: Fabry disease is due to inactivating mutations in the X-linked GLA gene resulting in deficiency of the enzyme Alpha Galactosidase-A., loss of function.

Submissions (2):

Genomenon, Inc
Classification: Pathogenic for Fabry disease. Last evaluated: 2026-09-08. Review status: criteria provided, single submitter. Criteria: Genomenon Sequence Variant Interpretation Standards - Updated. Collection method: curation. Allele origin: germline. Affected: yes.
Comment: GLA p.Trp24Ter (c.72G>A) is a nonsense variant that introduces a premature stop codon at amino acid position 24 and is predicted to result in a truncated or absent protein product. This variant has been observed in at least one proband with clinical features consistent with Fabry disease (PMID:38429952;28728877). The variant was found to segregate with disease in at least one affected family (PMID:38429952). Functional or patient cell studies have been reported (PMID:38429952;37480128). It is absent or not present at a significant frequency in gnomAD. In conclusion, we classify GLA p.Trp24Ter (c.72G>A) as a pathogenic variant.

Ambry Genetics
Classification: Pathogenic for Cardiovascular phenotype. Last evaluated: 2025-01-18. Review status: criteria provided, single submitter. Criteria: Ambry Variant Classification Scheme 2023. Collection method: clinical testing. Allele origin: germline.
Comment: The p.W24* pathogenic mutation (also known as c.72G>A), located in coding exon 1 of the GLA gene, results from a G to A substitution at nucleotide position 72. This changes the amino acid from a tryptophan to a stop codon within coding exon 1. This variant is considered to be rare based on population cohorts in the Genome Aggregation Database (gnomAD). This variant was identified in one or more individuals with features consistent with Fabry disease (Lu Z et al. Orphanet J Rare Dis, 2023 Jul;18:199; Gao L et al. QJM, 2024 Aug;117:566-573). Other variant(s) resulting in the same amino acid change (c.71G>A) have been identified in individual(s) with features consistent with Fabry disease (Buda P et al. JIMD Rep, 2012 Nov;4:25-8; Wijburg FA et al. PLoS One, 2015 May;10:e0124987; Juchniewicz P et al. Gene, 2018 Jan;641:259-264). This variant is considered to be rare based on population cohorts in the Genome Aggregation Database (gnomAD). This alteration is expected to result in loss of function by premature protein truncation or nonsense-mediated mRNA decay. As such, this alteration is interpreted as a disease-causing mutation.

Literature cited by the submitters: PubMed 38429952 (cited by Genomenon, Inc and Ambry Genetics); PubMed 28728877 (cited by Genomenon, Inc); PubMed 37480128 (cited by Genomenon, Inc and Ambry Genetics); PubMed 23430893 (cited by Ambry Genetics); PubMed 25955246 (cited by Ambry Genetics); PubMed 27356758 (cited by Ambry Genetics); PubMed 29079200 (cited by Ambry Genetics); PubMed 30987917 (cited by Ambry Genetics).